The following is an entry in ClinVar:

NM_016203.4(PRKAG2):c.685-3C>A

Genes: PRKAG2 (protein kinase AMP-activated non-catalytic subunit gamma 2; minus strand), LOC129999660 (ATAC-STARR-seq lymphoblastoid silent region 18823; plus strand). Cytogenetic location: 7q36.1.
Variant type: single nucleotide variant.
Coding change: c.685-3C>A on transcript NM_016203.4 (MANE Select); 3 bases into the intron before coding-DNA position 685, C replaced by A.
Molecular consequence: intron variant. On other transcripts: 5 prime UTR variant (1).
Genome position (GRCh38, 1-based): chr7:151,632,141, G>T on the plus strand (C>A on the coding strand, the complement: PRKAG2 is on the minus strand). VCF-style: chr7-151632141-G-T. GRCh37 (hg19) VCF-style: chr7-151329227-G-T.
Other names: c.-42C>A (NM_001407035.1, NM_001407036.1, NM_001407040.1 and 1 more transcripts); c.553-3C>A (NM_001040633.2); c.313-3C>A (NM_001304527.2, NM_001363698.2); c.-39-3C>A (NM_001304531.2).
Identifiers: ClinVar variation 2107672 (VCV002107672.4), dbSNP rs1057520353, ClinGen allele CA2579069308.
Genomic context (GRCh38, chr7:151,632,141, plus strand): 5'-ACTCCAGCTTCTCCAGCATGCCGGCTTCCGCGGGTCCCAGGGCCGCCGCCAGCGCCGCCT[G>T]AGGGGGAGGAGGAGGACAGCGATCAGCATGAGCTGCGACGCTCGTCCCCGGCCGGCGGGC-3'

ClinVar aggregate classification (germline): Uncertain significance (1 of 4 stars; one submission).

Conditions:
Lethal congenital glycogen storage disease of heart. Also called: PHOSPHORYLASE KINASE DEFICIENCY OF HEART; GLYCOGEN STORAGE DISEASE OF HEART. Identifiers: Orphanet 439854, MedGen C1849813, MONDO:0009867, OMIM 261740.

Submission:

Labcorp Genetics (formerly Invitae), Labcorp
Classification: Uncertain significance for Lethal congenital glycogen storage disease of heart. Last evaluated: 2022-03-08. Review status: criteria provided, single submitter. Criteria: Invitae Variant Classification Sherloc (09022015). Collection method: clinical testing. Allele origin: germline.
Comment: In summary, the available evidence is currently insufficient to determine the role of this variant in disease. Therefore, it has been classified as a Variant of Uncertain Significance. Variants that disrupt the consensus splice site are a relatively common cause of aberrant splicing (PMID: 17576681, 9536098). Algorithms developed to predict the effect of sequence changes on RNA splicing suggest that this variant is not likely to affect RNA splicing. This variant has not been reported in the literature in individuals affected with PRKAG2-related conditions. This variant is not present in population databases (gnomAD no frequency). This sequence change falls in intron 4 of the PRKAG2 gene. It does not directly change the encoded amino acid sequence of the PRKAG2 protein. It affects a nucleotide within the consensus splice site.

Literature cited by the submitters: PubMed 17576681; PubMed 9536098.